The following is an entry in ClinVar:

NM_015665.6(AAAS):c.106C>T (p.Pro36Ser)

Gene: AAAS (aladin WD repeat nucleoporin; minus strand). Cytogenetic location: 12q13.13.
Variant type: single nucleotide variant.
Coding change: c.106C>T on transcript NM_015665.6 (MANE Select); coding-DNA position 106, C replaced by T.
Protein change: p.Pro36Ser; replaces proline 36 with serine.
Molecular consequence: missense variant.
Genome position (GRCh38, 1-based): chr12:53,321,360, G>A on the plus strand (C>T on the coding strand, the complement: AAAS is on the minus strand). VCF-style: chr12-53321360-G-A. GRCh37 (hg19) VCF-style: chr12-53715144-G-A.
Other names: c.106C>T, p.Pro36Ser (NM_001173466.2); short protein forms P36S.
Identifiers: ClinVar variation 3421435 (VCV003421435.3).

ClinVar aggregate classification (germline): Uncertain significance. Review status: criteria provided, multiple submitters, no conflicts (2 of 4 stars). 3 submissions from 3 submitters: Uncertain significance (3). Last evaluated 2025-11-03.

Conditions:
Inborn genetic diseases. Identifiers: MedGen C0950123, MeSH D030342.
Glucocorticoid deficiency with achalasia (AAAS). Also called: ALACRIMA-ACHALASIA-ADRENAL INSUFFICIENCY NEUROLOGIC DISORDER; AAA syndrome; Allgrove syndrome; Addisonian achalasia syndrome; Triple-A syndrome; Alacrima-achalasia-addisonianism. Identifiers: Orphanet 869, MedGen C0271742, MONDO:0009279, OMIM 231550.

gnomAD v4.1: 84 of 1,613,902 alleles (0.0052%); highest among the groups gnomAD compares: Middle Eastern, 0.017%; no homozygotes.

Submissions (3):

Labcorp Genetics (formerly Invitae), Labcorp
Classification: Uncertain significance. Last evaluated: 2025-11-03. Review status: criteria provided, single submitter. Criteria: Invitae Variant Classification Sherloc (09022015). Collection method: clinical testing. Allele origin: germline.
Comment: This sequence change replaces proline, which is neutral and non-polar, with serine, which is neutral and polar, at codon 36 of the AAAS protein (p.Pro36Ser). This variant is present in population databases (rs570362394, gnomAD 0.006%). This variant has not been reported in the literature in individuals affected with AAAS-related conditions. ClinVar contains an entry for this variant (Variation ID: 3421435). An algorithm developed to predict the effect of missense changes on protein structure and function (PolyPhen-2) suggests that this variant is likely to be tolerated. In summary, the available evidence is currently insufficient to determine the role of this variant in disease. Therefore, it has been classified as a Variant of Uncertain Significance.

Ambry Genetics
Classification: Uncertain significance for Inborn genetic diseases. Last evaluated: 2024-11-21. Review status: criteria provided, single submitter. Criteria: Ambry Variant Classification Scheme 2023. Collection method: clinical testing. Allele origin: germline.

Department of Pathology and Laboratory Medicine, Sinai Health System
Classification: Uncertain significance for triple-A syndrome. Last evaluated: 2022-05-20. Review status: criteria provided, single submitter. Criteria: ACMG Guidelines, 2015. Collection method: research. Allele origin: germline.